The following is an entry in ClinVar:

NM_000448.3(RAG1):c.1264G>T (p.Ala422Ser)

Gene: RAG1 (recombination activating 1; plus strand). Cytogenetic location: 11p12.
Variant type: single nucleotide variant.
Coding change: c.1264G>T on transcript NM_000448.3 (MANE Select); coding-DNA position 1264, G replaced by T.
Protein change: p.Ala422Ser; replaces alanine 422 with serine.
Molecular consequence: missense variant.
Genome position (GRCh38, 1-based): chr11:36,574,568, G>T. VCF-style: chr11-36574568-G-T. GRCh37 (hg19) VCF-style: chr11-36596118-G-T.
Other names: c.1264G>T, p.Ala422Ser (NM_001377277.1, NM_001377278.1, NM_001377279.1 and 1 more transcripts); short protein forms A422S.
Identifiers: ClinVar variation 1033033 (VCV001033033.7), dbSNP rs568838996, ClinGen allele CA5950122.
Genomic context (GRCh38, chr11:36,574,568, plus strand): 5'-CTGACTCGGAGAGCTCAGAAGCACCGGCTGAGGGAGCTCAAGCTGCAAGTCAAAGCCTTT[G>T]CTGACAAAGAAGAAGGTGGAGATGTGAAGTCCGTGTGCATGACCTTGTTCCTGCTGGCTC-3'
Protein context (NP_000439.2, residues 412-432): RELKLQVKAF[Ala422Ser]DKEEGGDVKS

ClinVar aggregate classification (germline): Uncertain significance. Review status: criteria provided, multiple submitters, no conflicts (2 of 4 stars). 2 submissions from 2 submitters: Uncertain significance (2). Last evaluated 2022-05-12.

Conditions:
Combined immunodeficiency with skin granulomas. Identifiers: Orphanet 157949, MedGen C2673536, MONDO:0009306, OMIM 233650.
Severe combined immunodeficiency, autosomal recessive, T cell-negative, B cell-negative, NK cell-positive. Also called: SCID, T CELL-NEGATIVE, B CELL-NEGATIVE, NK CELL-POSITIVE; SCID, AR, T-cell negative, B-cell negative, NK cell-positive; Severe combined immunodeficiency due to complete RAG1/2 deficiency. Identifiers: Orphanet 331206, MedGen C1832322, MONDO:0011086, OMIM 601457.
Combined immunodeficiency due to partial RAG1 deficiency. Identifiers: Orphanet 231154, MedGen C1835931, MONDO:0012359, OMIM 609889.

Allele frequency attached by ClinVar (database versions not stated): gnomAD below 0.00001 and 0.00004; gnomAD exomes 0.00008; ExAC 0.00012; 1000 Genomes Project 30x 0.00031; 1000 Genomes Project 0.00040.
gnomAD v4.1: 48 of 1,614,254 alleles (0.003%); highest among the groups gnomAD compares: South Asian, 0.043%; 1 homozygote.

Submissions (2):

Labcorp Genetics (formerly Invitae), Labcorp
Classification: Uncertain significance for Combined immunodeficiency with skin granulomas; Severe combined immunodeficiency, autosomal recessive, T cell-negative, B cell-negative, NK cell-positive. Last evaluated: 2022-05-12. Review status: criteria provided, single submitter. Criteria: Invitae Variant Classification Sherloc (09022015). Collection method: clinical testing. Allele origin: germline.
Comment: This sequence change replaces alanine, which is neutral and non-polar, with serine, which is neutral and polar, at codon 422 of the RAG1 protein (p.Ala422Ser). This variant is present in population databases (rs568838996, gnomAD 0.07%), including at least one homozygous and/or hemizygous individual. This variant has not been reported in the literature in individuals affected with RAG1-related conditions. ClinVar contains an entry for this variant (Variation ID: 1033033). Algorithms developed to predict the effect of missense changes on protein structure and function are either unavailable or do not agree on the potential impact of this missense change (SIFT: "Deleterious"; PolyPhen-2: "Probably Damaging"; Align-GVGD: "Class C0"). In summary, the available evidence is currently insufficient to determine the role of this variant in disease. Therefore, it has been classified as a Variant of Uncertain Significance.

Baylor Genetics
Classification: Uncertain significance for Combined immunodeficiency due to partial RAG1 deficiency. Last evaluated: 2018-07-25. Review status: criteria provided, single submitter. Criteria: ACMG Guidelines, 2015. Collection method: clinical testing. Allele origin: paternal. Affected: yes.
Comment: This variant was determined to be of uncertain significance according to ACMG Guidelines, 2015 [PMID:25741868].